The following is an entry in ClinVar:

ClinVar aggregate classification (germline): Uncertain significance (0 of 4 stars; one submission).

Conditions:
ANKRD17-related disorder. Also called: ANKRD17-related condition.

Allele frequency attached by ClinVar (database versions not stated): gnomAD exomes below 0.00001.
gnomAD v4.1: 2 of 1,614,140 alleles (0.00012%); highest among the groups gnomAD compares: South Asian, 0.0011%; no homozygotes.

Submission:

PreventionGenetics, part of Exact Sciences
Classification: Uncertain significance for ANKRD17-related condition. Last evaluated: 2024-01-12. Review status: no assertion criteria provided. Collection method: clinical testing. Allele origin: germline.
Comment: The ANKRD17 c.5911A>G variant is predicted to result in the amino acid substitution p.Thr1971Ala. To our knowledge, this variant has not been reported in the literature or in a large population database, indicating this variant is rare. At this time, the clinical significance of this variant is uncertain due to the absence of conclusive functional and genetic evidence.

NM_032217.5(ANKRD17):c.5911A>G (p.Thr1971Ala)

Gene: ANKRD17 (ankyrin repeat domain 17; minus strand). Cytogenetic location: 4q13.3.
Variant type: single nucleotide variant.
Coding change: c.5911A>G on transcript NM_032217.5 (MANE Select); coding-DNA position 5911, A replaced by G.
Protein change: p.Thr1971Ala; replaces threonine 1971 with alanine.
Molecular consequence: missense variant.
Genome position (GRCh38, 1-based): chr4:73,091,717, T>C on the plus strand (A>G on the coding strand, the complement: ANKRD17 is on the minus strand). VCF-style: chr4-73091717-T-C. GRCh37 (hg19) VCF-style: chr4-73957434-T-C.
Other names: c.5572A>G, p.Thr1858Ala (NM_001286771.3); c.5908A>G, p.Thr1970Ala (NM_015574.2); c.5158A>G, p.Thr1720Ala (NM_198889.3); short protein forms T1720A, T1858A, T1970A, T1971A.
Identifiers: ClinVar variation 3029112 (VCV003029112.2), dbSNP rs2530172594, ClinGen allele CA357216179.